The following is an entry in ClinVar:

ClinVar aggregate classification (germline): Likely pathogenic (1 of 4 stars; one submission).

Conditions:
Polycystic kidney disease 2 (PKD2). Also called: POLYCYSTIC KIDNEY DISEASE, ADULT, TYPE II; POLYCYSTIC KIDNEY DISEASE 2 WITH OR WITHOUT POLYCYSTIC LIVER DISEASE; Polycystic Kidney Disease 2, Autosomal Dominant. Identifiers: MedGen C2751306, MONDO:0013131, OMIM 613095.

Submission:

Molecular Genetics Department, Kulakov National Medical Research Center for Obstetrics, Gynecology and Perinatology
Classification: Likely pathogenic for Polycystic kidney disease 2. Review status: criteria provided, single submitter. Criteria: ACMG Guidelines, 2015. Collection method: clinical testing. Allele origin: germline. Affected: yes.
Comment: A previously undescribed nucleotide variant creates a frameshift p.Lys784ArgfsTer16 in the PKD2 gene. Loss-of-function variants are reported in patients with Polycystic kidney disease 2, 613095. The variant is not present in population database (gnomAD no frequency). In summary, the currently available evidence indicates that the variant is pathogenic, but additional data are needed to prove that conclusively. Therefore, this variant has been classified as likely pathogenic.

NM_000297.4(PKD2):c.2351_2354del (p.Lys784fs)

Gene: PKD2 (polycystin 2, transient receptor potential cation channel; plus strand). Cytogenetic location: 4q22.1.
Variant type: Deletion.
Coding change: c.2351_2354del on transcript NM_000297.4 (MANE Select); coding-DNA positions 2351 to 2354, 4 bases deleted (AAGA; older notation c.2351_2354delAAGA).
Protein change: p.Lys784fs; shifts the reading frame from lysine 784.
Molecular consequence: frameshift variant. On other transcripts: non-coding transcript variant (1).
Genome position (GRCh38, 1-based): chr4:88,065,872-88,065,875, AAGA deleted; deleting any 4 consecutive bases within chr4:88,065,869-88,065,875 gives the same sequence; the c. name uses the placement nearest the transcript's 3' end. VCF-style (leftmost placement, unchanged base first): chr4-88065868-GAGAA-G. GRCh37 (hg19) VCF-style: chr4-88987020-GAGAA-G.
Other names: short protein forms K784fs.
Identifiers: ClinVar variation 3062310 (VCV003062310.1), dbSNP rs2475980887, ClinGen allele CA2695203617.